The following is an entry in ClinVar:

NM_015338.6(ASXL1):c.2167T>C (p.Ser723Pro)

Gene: ASXL1 (ASXL transcriptional regulator 1; plus strand). Cytogenetic location: 20q11.21.
Variant type: single nucleotide variant.
Coding change: c.2167T>C on transcript NM_015338.6 (MANE Select); coding-DNA position 2167, T replaced by C.
Protein change: p.Ser723Pro; replaces serine 723 with proline.
Molecular consequence: missense variant.
Genome position (GRCh38, 1-based): chr20:32,434,879, T>C. VCF-style: chr20-32434879-T-C. GRCh37 (hg19) VCF-style: chr20-31022682-T-C.
Other names: c.1984T>C, p.Ser662Pro (NM_001363734.1); short protein forms S662P, S723P.
Identifiers: ClinVar variation 3793264 (VCV003793264.1).
Genomic context (GRCh38, chr20:32,434,879, plus strand): 5'-AATGGGGAGCATACCCAGGCCGGAACTGCCATGTCCAGAGCTAGGAGAGAGGACCTGCCT[T>C]CTCTGAGAAAGGAGGAAAGCTGCCTACTACAGAGGGCTACAGTTGGACTCACAGATGGGC-3'
Protein context (NP_056153.2, residues 713-733): MSRARREDLP[Ser723Pro]LRKEESCLLQ

ClinVar aggregate classification (germline): Uncertain significance (1 of 4 stars; one submission).

Conditions:
Inborn genetic diseases. Identifiers: MedGen C0950123, MeSH D030342.

Submission:

Ambry Genetics
Classification: Uncertain significance for Inborn genetic diseases. Last evaluated: 2025-02-07. Review status: criteria provided, single submitter. Criteria: Ambry Variant Classification Scheme 2023. Collection method: clinical testing. Allele origin: germline.
Comment: The p.S723P variant (also known as c.2167T>C), located in coding exon 13 of the ASXL1 gene, results from a T to C substitution at nucleotide position 2167. The serine at codon 723 is replaced by proline, an amino acid with similar properties. This amino acid position is conserved. In addition, this alteration is predicted to be tolerated by in silico analysis. Based on the available evidence, the clinical significance of this variant remains unclear.